The following is an entry in ClinVar:

NM_001323289.2(CDKL5):c.-241T>A

Gene: CDKL5 (cyclin dependent kinase like 5; plus strand). Cytogenetic location: Xp22.13.
Variant type: single nucleotide variant.
Coding change: c.-241T>A on transcript NM_001323289.2 (MANE Select); 241 bases upstream of the start codon, T replaced by A.
Molecular consequence: 5 prime UTR variant.
Genome position (GRCh38, 1-based): chrX:18,425,617, T>A. VCF-style: chrX-18425617-T-A. GRCh37 (hg19) VCF-style: chrX-18443737-T-A.
Other names: c.-241T>A (NM_003159.3).
Identifiers: ClinVar variation 3352372 (VCV003352372.1).

ClinVar aggregate classification (germline): Likely benign (0 of 4 stars; one submission).

Conditions:
CDKL5-related disorder.

gnomAD v4.1: 6 of 112,586 alleles (0.0053%); highest among the groups gnomAD compares: Non-Finnish European, 0.011%; no homozygotes.

Submission:

PreventionGenetics, part of Exact Sciences
Classification: Likely benign for CDKL5-related condition. Last evaluated: 2019-06-11. Review status: no assertion criteria provided. Collection method: clinical testing. Allele origin: germline.
Comment: This variant is classified as likely benign based on ACMG/AMP sequence variant interpretation guidelines (Richards et al. 2015 PMID: 25741868, with internal and published modifications).